The following is an entry in ClinVar:

ClinVar aggregate classification (germline): Pathogenic/Likely pathogenic. Review status: criteria provided, multiple submitters, no conflicts (2 of 4 stars). 3 submissions from 3 submitters: Pathogenic (2); Likely pathogenic (1). Last evaluated 2025-05-14.

Conditions:
Capillary malformation-arteriovenous malformation syndrome. Also called: Capillary malformation-arteriovenous malformation. Identifiers: Orphanet 137667, MedGen C1842180, MONDO:0012016.
Capillary malformation-arteriovenous malformation 1 (CMAVM1). Identifiers: Orphanet 137667, Orphanet 693907, MedGen C4747394, MONDO:0020783, OMIM 608354.

Submissions (3):

Labcorp Genetics (formerly Invitae), Labcorp
Classification: Pathogenic for Capillary malformation-arteriovenous malformation syndrome. Last evaluated: 2025-05-14. Review status: criteria provided, single submitter. Criteria: Invitae Variant Classification Sherloc (09022015). Collection method: clinical testing. Allele origin: germline.
Comment: This sequence change creates a premature translational stop signal (p.Thr453Serfs*8) in the RASA1 gene. It is expected to result in an absent or disrupted protein product. Loss-of-function variants in RASA1 are known to be pathogenic (PMID: 24038909). This variant is not present in population databases (gnomAD no frequency). This variant has not been reported in the literature in individuals affected with RASA1-related conditions. For these reasons, this variant has been classified as Pathogenic.

GeneDx
Classification: Pathogenic. Last evaluated: 2024-12-23. Review status: criteria provided, single submitter. Criteria: GeneDx Variant Classification Process June 2021. Collection method: clinical testing. Allele origin: germline. Affected: yes.
Comment: Has not been previously published as pathogenic or benign to our knowledge; Not observed at significant frequency in large population cohorts (gnomAD); Frameshift variant predicted to result in protein truncation or nonsense mediated decay in a gene for which loss of function is a known mechanism of disease

Clinical Genomics Laboratory, Washington University in St. Louis
Classification: Likely pathogenic for Capillary malformation-arteriovenous malformation 1. Last evaluated: 2024-02-06. Review status: criteria provided, single submitter. Criteria: ACMG Guidelines, 2015. Collection method: clinical testing. Allele origin: germline. Affected: yes.
Comment: The RASA1 c.1358_1359del (p.Thr453Serfs*8) variant is identified at a near heterozygous allele fraction of 51%, a frequency which may be consistent with it being of germline origin. This variant is absent from the general population (gnomAD v4.0.0), indicating it is not a common variant. This variant causes a frameshift by deleting 2 nucleotides, leading to a premature termination codon, which is predicted to lead to nonsense mediated decay. Loss-of-function is a known mechanism of disease for RASA1 (Revencu N et al., PMID: 24038909). Based on available information, and based on ACMG/AMP guidelines for variant interpretation (Richards S et al., PMID: 25741868), the RASA1 c.1358_1359del (p.Thr453Serfs*8) variant is classified as likely pathogenic.

Literature cited by the submitters: PubMed 24038909 (cited by Labcorp Genetics (formerly Invitae), Labcorp).

NM_002890.3(RASA1):c.1358_1359del (p.Thr453fs)

Genes: CCNH (cyclin H; minus strand), RASA1 (RAS p21 protein activator 1; plus strand). Cytogenetic location: 5q14.3.
Variant type: Microsatellite.
Coding change: c.1358_1359del on transcript NM_002890.3 (MANE Select); coding-DNA positions 1358 to 1359, 2 bases deleted (CA; older notation c.1358_1359delCA).
Protein change: p.Thr453fs; shifts the reading frame from threonine 453.
Molecular consequence: frameshift variant. On other transcripts: intron variant (1).
Genome position (GRCh38, 1-based): chr5:87,362,576-87,362,577, CA deleted; deleting any 2 consecutive bases within chr5:87,362,573-87,362,577 gives the same sequence; the c. name uses the placement nearest the transcript's 3' end. VCF-style (leftmost placement, unchanged base first): chr5-87362572-GAC-G. GRCh37 (hg19) VCF-style: chr5-86658389-GAC-G.
Other names: c.827_828del, p.Thr276fs (NM_022650.3); c.933+32470_933+32471del (NM_001364075.2); c.1358_1359del (NM_002890.2); short protein forms T453fs, T276fs.
Identifiers: ClinVar variation 411712 (VCV000411712.10), dbSNP rs1060503439, ClinGen allele CA16611926.